The following is an entry in ClinVar:

ClinVar aggregate classification (germline): Pathogenic. Review status: criteria provided, multiple submitters, no conflicts (2 of 4 stars). 29 submissions from 28 submitters: Pathogenic (20). 9 of the submissions do not count toward it. Last evaluated 2026-01-22.

Conditions:
MUTYH-related disorder. Also called: MUTYH-related condition; MUTYH-related disorders.
Familial adenomatous polyposis 2. Also called: COLORECTAL ADENOMATOUS POLYPOSIS, AUTOSOMAL RECESSIVE; ADENOMAS, MULTIPLE COLORECTAL, AUTOSOMAL RECESSIVE; MUTYH-associated polyposis; MUTYH-related attenuated familial adenomatous polyposis; FAP type 2; MYH-associated polyposis. Identifiers: Orphanet 220460, Orphanet 247798, MedGen C3272841, MONDO:0012041, OMIM 608456.
Gastric cancer. Also called: Stomach cancer; Malignant tumor of stomach. Identifiers: MedGen C0024623, MeSH D013274, MONDO:0001056, OMIM 613659, HP:0012126.
B lymphoblastic leukemia lymphoma, no ICD-O subtype. Identifiers: MedGen C3472624.
Hereditary cancer-predisposing syndrome. Also called: Neoplastic Syndromes, Hereditary; Hereditary Cancer Syndrome; Tumor predisposition; Hereditary neoplastic syndrome. Identifiers: Orphanet 140162, MedGen C0027672, MeSH D009386, MONDO:0015356.
Carcinoma of colon (CRC). Also called: Colonic carcinoma; Colon carcinoma. Identifiers: MedGen C0699790, MONDO:0002032.

Allele frequency attached by ClinVar (database versions not stated): gnomAD 0.00004 and 0.00003; ExAC 0.00010; TOPMed 0.00003; gnomAD exomes 0.00007; 1000 Genomes Project 30x 0.00016; 1000 Genomes Project 0.00020.
gnomAD v4.1: 110 of 1,614,020 alleles (0.0068%); highest among the groups gnomAD compares: Non-Finnish European, 0.0088%; no homozygotes.

Submissions 1 to 8 of 29:

Clinical Genetics Laboratory, Skane University Hospital Lund
Classification: Pathogenic for Familial adenomatous polyposis 2. Last evaluated: 2026-01-22. Review status: criteria provided, single submitter. Criteria: ACMG Guidelines, 2015. Collection method: clinical testing. Allele origin: germline. Inheritance: Autosomal recessive inheritance. Affected: yes.
Comment: ACMG-criteria: PS3, PM2, PM3_Very Strong and PP3.

Labcorp Genetics (formerly Invitae), Labcorp
Classification: Pathogenic for Familial adenomatous polyposis 2. Last evaluated: 2026-01-08. Review status: criteria provided, single submitter. Criteria: Invitae Variant Classification Sherloc (09022015). Collection method: clinical testing. Allele origin: germline.
Comment: This sequence change replaces proline, which is neutral and non-polar, with leucine, which is neutral and non-polar, at codon 405 of the MUTYH protein (p.Pro405Leu). This variant is present in population databases (rs529008617, gnomAD 0.01%). This missense change has been observed in individuals with MUTYH-associated polyposis (PMID: 16140997, 16557584, 16616356, 19732775). It is commonly reported in individuals of Dutch ancestry (PMID: 17161978, 20191381). This variant is also known as 1172C>T, P391L, and P377L. ClinVar contains an entry for this variant (Variation ID: 142604). An algorithm developed to predict the effect of missense changes on protein structure and function (PolyPhen-2) suggests that this variant is likely to be disruptive. Experimental studies have shown that this missense change affects MUTYH function (PMID: 19836313, 20848659, 23322991, 25820570). For these reasons, this variant has been classified as Pathogenic.

Center for Genomic Medicine, Rigshospitalet, Copenhagen University Hospital
Classification: Pathogenic. Last evaluated: 2025-12-29. Review status: criteria provided, single submitter. Criteria: ACMG Guidelines, 2015. Collection method: clinical testing. Allele origin: germline.

PreventionGenetics, part of Exact Sciences
Classification: Pathogenic for MUTYH-related condition. Last evaluated: 2025-11-26. Review status: criteria provided, single submitter. Criteria: ACMG Guidelines, 2015. Collection method: clinical testing. Allele origin: germline.
Comment: The MUTYH c.1214C>T variant is predicted to result in the amino acid substitution p.Pro405Leu. In the literature this variant is also known as c.1172C>T (p.Pro391Leu). This variant has been reported in the homozygous and compound heterozygous states in multiple individuals with MUTYH (MYH) associated polyposis (MAP) and is a founder variant in the Dutch population (Nielsen et al. 2005. PubMed ID: 16140997; Aretz et al. 2006. PubMed ID: 16557584; Wasielewski et al. 2010. PubMed ID: 20191381; Cheadle et al. 2006. PubMed ID: 17161978). This amino acid change was shown to negatively affect protein function using in vitro assays (Kundu et al. 2009. PubMed ID: 19836313; Goto et al. 2010. PubMed ID: 20848659). This variant is reported in 0.013% of alleles in individuals of European (Non-Finnish) descent in gnomAD and is interpreted as pathogenic in ClinVar (Variation ID: 142604). Taken together, this variant is interpreted as pathogenic.

Color Diagnostics, LLC DBA Color Health
Classification: Pathogenic for Hereditary cancer-predisposing syndrome. Last evaluated: 2025-06-02. Review status: criteria provided, single submitter. Criteria: ACMG Guidelines, 2015. Collection method: clinical testing. Allele origin: germline.
Comment: This missense variant replaces proline with leucine at codon 405 in the nudix hydrolase domain of the MUTYH protein. This variant is also known as c.1172C>T (p.Pro391Leu) based on an alternative transcript (NM_001048171). Computational prediction suggests that this variant may have deleterious impact on protein structure and function. Functional studies showed severely reduced glycosylase and bacterial complementation activities (PMID: 19836313, 20848659, 25820570). This variant has been reported in many individuals and families affected with MUTYH-associated polyposis (PMID: 16140997, 16557584, 16616356, 17674103, 19732775, 20191381, 20618354, 25938944, 28944238) and is known to be a common disease-causing mutation in the Dutch population (PMID: 16140997, 18172263, 22297469). This variant has been identified in 20/281904 chromosomes in the general population by the Genome Aggregation Database (gnomAD). Based on the available evidence, this variant is classified as Pathogenic.

Ambry Genetics
Classification: Pathogenic for Hereditary cancer-predisposing syndrome. Last evaluated: 2025-05-20. Review status: criteria provided, single submitter. Criteria: Ambry Variant Classification Scheme 2023. Collection method: clinical testing. Allele origin: germline.
Comment: The p.P405L pathogenic mutation (also known as c.1214C>T), located in coding exon 13 of the MUTYH gene, results from a C to T substitution at nucleotide position 1214. The proline at codon 405 is replaced by leucine, an amino acid with similar properties. This mutation was reported in a Dutch cohort of polyposis patients who had previously tested negative for APC mutations; it was seen in 14% of the patients with biallelic MUTYH mutations, including two probands who were homozygous for p.P405L (Nielsen M et al. J. Med. Genet. 2005 Sep;42:e54). In another study examining the extracolonic tumor spectrum in patients with MUTYH-polyposis, authors observed this mutation in 23 out of 376 patients, including four individuals who were homozygous carriers of the p.P405L mutation and 19 compound heterozygotes (Vogt S et al. Gastroenterology 2009 Dec;137:1976-85.e1-10). Functional analysis of this alteration has revealed compromised adenine glycosylase activity that was 30-40% of the activity of the wildtype enzyme (Kundu S et al. DNA Repair (Amst.) 2009 Dec;8:1400-10). In addition, several other studies have found this alteration to be functionally defective (Goto M et al. Hum. Mutat. 2010 Nov;31:E1861-74; Shinmura K et al. World J. Gastroenterol. 2012 Dec;18:6935-42; Komine K et al. Hum. Mutat. 2015 Jul;36:704-11). Of note, this alteration is also designated as p.P391L (c.1172C>T) in published literature. This amino acid position is highly conserved in available vertebrate species. In addition, this alteration is predicted to be deleterious by in silico analysis. Based on the supporting evidence, this alteration is interpreted as a disease-causing mutation.

Molecular Pathology, Peter Maccallum Cancer Centre
Classification: Pathogenic for Familial adenomatous polyposis 2. Last evaluated: 2025-02-03. Review status: criteria provided, single submitter. Criteria: ACMG Guidelines, 2015. Collection method: clinical testing. Allele origin: germline. Inheritance: Autosomal recessive inheritance.

All of Us Research Program, National Institutes of Health
Classification: Pathogenic for Familial adenomatous polyposis 2. Last evaluated: 2024-09-23. Review status: criteria provided, single submitter. Criteria: ACMG Guidelines, 2015. Collection method: clinical testing. Allele origin: germline. Inheritance: Autosomal recessive inheritance. Observed: 11 variant alleles, 11 heterozygotes.
Comment: This missense variant replaces proline with leucine at codon 405 in the nudix hydrolase domain of the MUTYH protein. This variant is also known as c.1172C>T (p.Pro391Leu) based on an alternative transcript (NM_001048171). Computational prediction suggests that this variant may have deleterious impact on protein structure and function (internally defined REVEL score threshold >= 0.7, PMID: 27666373). Functional studies showed severely reduced glycosylase and bacterial complementation activities (PMID: 19836313, 20848659, 25820570). This variant has been reported in many individuals and families affected with MUTYH-associated polyposis (MAP) (PMID: 16140997, 16557584, 16616356, 17674103, 19732775, 20191381, 20618354, 25938944, 28944238) and is known to be a common disease-causing mutation in the Dutch population (PMID: 16140997, 18172263, 22297469). This variant has been identified in 20/281904 chromosomes in the general population by the Genome Aggregation Database (gnomAD). Based on the available evidence, this variant is classified as Pathogenic.

This study involves interpretation of variants in research participants for the purpose of population health screening. Participant phenotype was not available at the time of variant classification. Additional details can be found in publication PMID: 35346344, PMCID: PMC8962531

NM_001048174.2(MUTYH):c.1130C>T (p.Pro377Leu)

Gene: MUTYH (mutY DNA glycosylase; minus strand). Cytogenetic location: 1p34.1.
Variant type: single nucleotide variant.
Coding change: c.1130C>T on transcript NM_001048174.2 (MANE Select); coding-DNA position 1130, C replaced by T.
Protein change: p.Pro377Leu; replaces proline 377 with leucine.
Molecular consequence: missense variant. On other transcripts: non-coding transcript variant (2).
Genome position (GRCh38, 1-based): chr1:45,331,529, G>A on the plus strand (C>T on the coding strand, the complement: MUTYH is on the minus strand). VCF-style: chr1-45331529-G-A. GRCh37 (hg19) VCF-style: chr1-45797201-G-A.
Other names: c.1130C>T, p.Pro377Leu (NM_001048171.2, NM_001048173.2, NM_001293195.2); c.1133C>T, p.Pro378Leu (NM_001048172.2); c.1214C>T, p.Pro405Leu (NM_001128425.2); c.1175C>T, p.Pro392Leu (NM_001293190.2); c.1163C>T, p.Pro388Leu (NM_001293191.2); c.854C>T, p.Pro285Leu (NM_001293192.2, NM_001293196.2); c.785C>T, p.Pro262Leu (NM_001350650.2, NM_001350651.2); c.1205C>T, p.Pro402Leu (NM_012222.3); short protein forms P391L, P262L, P378L, P388L, P285L, P377L, P392L, P402L.
Identifiers: ClinVar variation 142604 (VCV000142604.60), dbSNP rs529008617, ClinGen allele CA012325.